The following is an entry in ClinVar:

ClinVar aggregate classification (germline): Uncertain significance (1 of 4 stars; one submission).

gnomAD v4.1: 5 of 1,614,186 alleles (0.00031%); highest among the groups gnomAD compares: Non-Finnish European, 0.00042%; no homozygotes.

Submission:

Ambry Genetics
Classification: Uncertain significance. Last evaluated: 2025-05-31. Review status: criteria provided, single submitter. Criteria: Ambry Variant Classification Scheme 2023. Collection method: clinical testing. Allele origin: germline.
Comment: The p.S389Y variant (also known as c.1166C>A), located in coding exon 12 of the KIF1B gene, results from a C to A substitution at nucleotide position 1166. The serine at codon 389 is replaced by tyrosine, an amino acid with dissimilar properties. This amino acid position is not well conserved in available vertebrate species. In addition, this alteration is predicted to be tolerated by in silico analysis. Since supporting evidence is limited at this time, the clinical significance of this alteration remains unclear.

NM_001365951.3(KIF1B):c.1304C>A (p.Ser435Tyr)

Gene: KIF1B (kinesin family member 1B; plus strand). Cytogenetic location: 1p36.22.
Variant type: single nucleotide variant.
Coding change: c.1304C>A on transcript NM_001365951.3 (MANE Select); coding-DNA position 1304, C replaced by A.
Protein change: p.Ser435Tyr; replaces serine 435 with tyrosine.
Molecular consequence: missense variant.
Genome position (GRCh38, 1-based): chr1:10,282,403, C>A. VCF-style: chr1-10282403-C-A. GRCh37 (hg19) VCF-style: chr1-10342461-C-A.
Other names: c.1304C>A, p.Ser435Tyr (NM_001365952.1); c.1166C>A, p.Ser389Tyr (NM_001365953.1, NM_015074.3, NM_183416.4); short protein forms S389Y, S435Y.
Identifiers: ClinVar variation 1738217 (VCV001738217.4), dbSNP rs199664929, ClinGen allele CA338336115.
Genomic context (GRCh38, chr1:10,282,403, plus strand): 5'-ATAAGCATAGATACTTGCTAGCCTCTGAGAATCAACGCCCTGGCCATTTTTCCACAGCAT[C>A]CATGGGGTCCCTCACTTCATCCCCATCTTCCTGCTCACTCAGTAGTCAGGTGGGCTTGAC-3'
Protein context (NP_001352880.1, residues 425-445): NQRPGHFSTA[Ser435Tyr]MGSLTSSPSS